The following is an entry in ClinVar:

NM_005876.5(SPEG):c.521C>T (p.Pro174Leu)

Gene: SPEG (striated muscle enriched protein kinase; plus strand). Cytogenetic location: 2q35.
Variant type: single nucleotide variant.
Coding change: c.521C>T on transcript NM_005876.5 (MANE Select); coding-DNA position 521, C replaced by T.
Protein change: p.Pro174Leu; replaces proline 174 with leucine.
Molecular consequence: missense variant.
Genome position (GRCh38, 1-based): chr2:219,444,867, C>T. VCF-style: chr2-219444867-C-T. GRCh37 (hg19) VCF-style: chr2-220309589-C-T.
Other names: short protein forms P174L.
Identifiers: ClinVar variation 2635442 (VCV002635442.1), dbSNP rs748269305, ClinGen allele CA2125514.

ClinVar aggregate classification (germline): Uncertain significance (1 of 4 stars; one submission).

Conditions:
SPEG-related disorder. Also called: SPEG-related condition.

Allele frequency attached by ClinVar (database versions not stated): ExAC 0.00001; gnomAD 0.00001; gnomAD exomes 0.00001; TOPMed 0.00001.
gnomAD v4.1: 16 of 1,570,362 alleles (0.001%); highest among the groups gnomAD compares: East Asian, 0.0022%; no homozygotes.

Submission:

PreventionGenetics, part of Exact Sciences
Classification: Uncertain significance for SPEG-related condition. Last evaluated: 2022-11-08. Review status: criteria provided, single submitter. Criteria: ACMG Guidelines, 2015. Collection method: clinical testing. Allele origin: germline.
Comment: The SPEG c.521C>T variant is predicted to result in the amino acid substitution p.Pro174Leu. To our knowledge, this variant has not been reported in the literature. This variant is reported in 0.0057% of alleles in individuals of East Asian descent in gnomAD. At this time, the clinical significance of this variant is uncertain due to the absence of conclusive functional and genetic evidence.